The following is an entry in ClinVar:

NM_001182.5(ALDH7A1):c.1517G>A (p.Arg506Lys)

Gene: ALDH7A1 (aldehyde dehydrogenase 7 family member A1; minus strand). Cytogenetic location: 5q23.2.
Variant type: single nucleotide variant.
Coding change: c.1517G>A on transcript NM_001182.5 (MANE Select); coding-DNA position 1517, G replaced by A.
Protein change: p.Arg506Lys; replaces arginine 506 with lysine.
Molecular consequence: missense variant.
Genome position (GRCh38, 1-based): chr5:126,546,372, C>T on the plus strand (G>A on the coding strand, the complement: ALDH7A1 is on the minus strand). VCF-style: chr5-126546372-C-T. GRCh37 (hg19) VCF-style: chr5-125882064-C-T.
Other names: c.1433G>A, p.Arg478Lys (NM_001201377.2); c.1325G>A, p.Arg442Lys (NM_001202404.2); short protein forms R442K, R506K, R478K.
Identifiers: ClinVar variation 1483613 (VCV001483613.6), dbSNP rs2112746227, ClinGen allele CA360719329.

ClinVar aggregate classification (germline): Uncertain significance (1 of 4 stars; one submission).

Conditions:
Pyridoxine-dependent epilepsy (EPEO4). Also called: Pyridoxine-Dependent Seizures; Pyridoxine-Dependent Epilepsy - ALDH7A1; PYRIDOXINE DEPENDENCY WITH SEIZURES; EPILEPSY, EARLY-ONSET, 4, VITAMIN B6-DEPENDENT. Identifiers: Orphanet 3006, MedGen C1849508, MONDO:0009945, OMIM 266100. Disease mechanism: loss of function.

Submission:

Labcorp Genetics (formerly Invitae), Labcorp
Classification: Uncertain significance for Pyridoxine-dependent epilepsy. Last evaluated: 2021-12-03. Review status: criteria provided, single submitter. Criteria: Invitae Variant Classification Sherloc (09022015). Collection method: clinical testing. Allele origin: germline.
Comment: In summary, the available evidence is currently insufficient to determine the role of this variant in disease. Therefore, it has been classified as a Variant of Uncertain Significance. Advanced modeling of protein sequence and biophysical properties (such as structural, functional, and spatial information, amino acid conservation, physicochemical variation, residue mobility, and thermodynamic stability) performed at Invitae indicates that this missense variant is expected to disrupt ALDH7A1 protein function. This variant has not been reported in the literature in individuals affected with ALDH7A1-related conditions. This variant is not present in population databases (gnomAD no frequency). This sequence change replaces arginine, which is basic and polar, with lysine, which is basic and polar, at codon 506 of the ALDH7A1 protein (p.Arg506Lys).